The following is an entry in ClinVar:

NM_194277.3(FRMD7):c.431A>G (p.Gln144Arg)

Gene: FRMD7 (FERM domain containing 7; minus strand). Cytogenetic location: Xq26.2.
Variant type: single nucleotide variant.
Coding change: c.431A>G on transcript NM_194277.3 (MANE Select); coding-DNA position 431, A replaced by G.
Protein change: p.Gln144Arg; replaces glutamine 144 with arginine.
Molecular consequence: missense variant.
Genome position (GRCh38, 1-based): chrX:132,085,986, T>C on the plus strand (A>G on the coding strand, the complement: FRMD7 is on the minus strand). VCF-style: chrX-132085986-T-C. GRCh37 (hg19) VCF-style: chrX-131220014-T-C.
Other names: c.386A>G, p.Gln129Arg (NM_001306193.2); short protein forms Q129R, Q144R.
Identifiers: ClinVar variation 3645833 (VCV003645833.2).
Genomic context (GRCh38, chrX:132,085,986, plus strand): 5'-TTCTGATGAAAGTGCATGATCTTGCCCTCTAAACAGTCTTGGTTTGGTAAGTACCGAGTT[T>C]GTGCCAGATGCTTCCTATCTGTTTCTTCATGAAAGTCTCCAAGTTCTGCTGCATGACAGG-3'
Protein context (NP_919253.1, residues 134-154): HEETDRKHLA[Gln144Arg]TRYLPNQDCL

ClinVar aggregate classification (germline): Uncertain significance (1 of 4 stars; one submission).

Submission:

Labcorp Genetics (formerly Invitae), Labcorp
Classification: Uncertain significance. Last evaluated: 2024-03-13. Review status: criteria provided, single submitter. Criteria: Invitae Variant Classification Sherloc (09022015). Collection method: clinical testing. Allele origin: germline.
Comment: This sequence change replaces glutamine, which is neutral and polar, with arginine, which is basic and polar, at codon 144 of the FRMD7 protein (p.Gln144Arg). This variant is not present in population databases (gnomAD no frequency). This variant has not been reported in the literature in individuals affected with FRMD7-related conditions. Algorithms developed to predict the effect of missense changes on protein structure and function output the following: SIFT: "Not Available"; PolyPhen-2: "Benign"; Align-GVGD: "Not Available". The arginine amino acid residue is found in multiple mammalian species, which suggests that this missense change does not adversely affect protein function. In summary, the available evidence is currently insufficient to determine the role of this variant in disease. Therefore, it has been classified as a Variant of Uncertain Significance.